The following is an entry in ClinVar:

ClinVar aggregate classification (germline): Uncertain significance (1 of 4 stars; one submission).

Conditions:
Melanoma, cutaneous malignant, susceptibility to, 5. Also called: Cutaneous malignant melanoma 5. Identifiers: Orphanet 618, MedGen C2751295, MONDO:0013133, OMIM 613099.

Submission:

Labcorp Genetics (formerly Invitae), Labcorp
Classification: Uncertain significance for Melanoma, cutaneous malignant, susceptibility to, 5. Last evaluated: 2023-01-17. Review status: criteria provided, single submitter. Criteria: Invitae Variant Classification Sherloc (09022015). Collection method: clinical testing. Allele origin: germline.
Comment: This variant has been observed in individual(s) with pancreatic cancer (PMID: 26546047). This variant is present in population databases (rs762901370, gnomAD 0.002%). This variant, c.862_864del, results in the deletion of 1 amino acid(s) of the MC1R protein (p.Ile288del), but otherwise preserves the integrity of the reading frame. ClinVar contains an entry for this variant (Variation ID: 859812). In summary, the available evidence is currently insufficient to determine the role of this variant in disease. Therefore, it has been classified as a Variant of Uncertain Significance. Experimental studies and prediction algorithms are not available or were not evaluated, and the functional significance of this variant is currently unknown.

Literature cited by the submitters: PubMed 26546047.

NM_002386.4(MC1R):c.859ATC[1] (p.Ile288del)

Gene: MC1R (melanocortin 1 receptor; plus strand). Cytogenetic location: 16q24.3.
Variant type: Microsatellite.
Coding change: c.859ATC[1] on transcript NM_002386.4 (MANE Select); one copy of the 3-base unit ATC starting at c.859; the reference has two copies in a row; one copy, 3 bases deleted.
Protein change: p.Ile288del; deletes isoleucine 288.
Molecular consequence: inframe deletion.
Genome position (GRCh38, 1-based): chr16:89,920,120-89,920,122, ATC deleted; deleting any 3 consecutive bases within chr16:89,920,115-89,920,122 gives the same sequence; the position shown is the placement nearest the transcript's 3' end. VCF-style (leftmost placement, unchanged base first): chr16-89920114-CTCA-C. GRCh37 (hg19) VCF-style: chr16-89986522-CTCA-C.
Other names: short protein forms I288del.
Identifiers: ClinVar variation 859812 (VCV000859812.9), dbSNP rs762901370, ClinGen allele CA8255779.